The following is an entry in ClinVar:

ClinVar aggregate classification (germline): Uncertain significance. Review status: criteria provided, multiple submitters, no conflicts (2 of 4 stars). 2 submissions from 2 submitters: Uncertain significance (2). Last evaluated 2026-07-02.

Conditions:
Hereditary cancer-predisposing syndrome. Also called: Hereditary Cancer Syndrome; Tumor predisposition; Neoplastic Syndromes, Hereditary; Hereditary neoplastic syndrome. Identifiers: Orphanet 140162, MedGen C0027672, MeSH D009386, MONDO:0015356.

Allele frequency attached by ClinVar (database versions not stated): gnomAD exomes below 0.00001.
gnomAD v4.1: 1 of 1,613,966 alleles (0.000062%); highest among the groups gnomAD compares: South Asian, 0.0011%; no homozygotes.

Submissions (2):

Ambry Genetics
Classification: Uncertain significance for Hereditary cancer-predisposing syndrome. Last evaluated: 2026-07-02. Review status: criteria provided, single submitter. Criteria: Ambry Variant Classification Scheme 2023. Collection method: clinical testing. Allele origin: germline.
Comment: The p.D199Y variant (also known as c.595G>T), located in coding exon 4 of the MSH3 gene, results from a G to T substitution at nucleotide position 595. The aspartic acid at codon 199 is replaced by tyrosine, an amino acid with highly dissimilar properties. This amino acid position is conserved. In addition, this alteration is predicted to be tolerated by in silico analysis. Based on the available evidence, the clinical significance of this variant remains unclear.

Labcorp Genetics (formerly Invitae), Labcorp
Classification: Uncertain significance. Last evaluated: 2022-02-18. Review status: criteria provided, single submitter. Criteria: Invitae Variant Classification Sherloc (09022015). Collection method: clinical testing. Allele origin: germline.
Comment: This sequence change replaces aspartic acid, which is acidic and polar, with tyrosine, which is neutral and polar, at codon 199 of the MSH3 protein (p.Asp199Tyr). This variant is not present in population databases (gnomAD no frequency). This variant has not been reported in the literature in individuals affected with MSH3-related conditions. Algorithms developed to predict the effect of missense changes on protein structure and function are either unavailable or do not agree on the potential impact of this missense change (SIFT: "Tolerated"; PolyPhen-2: "Possibly Damaging"; Align-GVGD: "Class C0"). In summary, the available evidence is currently insufficient to determine the role of this variant in disease. Therefore, it has been classified as a Variant of Uncertain Significance.

NM_002439.5(MSH3):c.595G>T (p.Asp199Tyr)

Gene: MSH3 (mutS homolog 3; plus strand). Cytogenetic location: 5q14.1.
Variant type: single nucleotide variant.
Coding change: c.595G>T on transcript NM_002439.5 (MANE Select); coding-DNA position 595, G replaced by T.
Protein change: p.Asp199Tyr; replaces aspartic acid 199 with tyrosine.
Molecular consequence: missense variant.
Genome position (GRCh38, 1-based): chr5:80,670,112, G>T. VCF-style: chr5-80670112-G-T. GRCh37 (hg19) VCF-style: chr5-79965931-G-T.
Other names: c.595G>T (NM_002439.3); short protein forms D199Y.
Identifiers: ClinVar variation 1514668 (VCV001514668.9), dbSNP rs1749670388, ClinGen allele CA360265902.